The following is an entry in ClinVar:

ClinVar aggregate classification (germline): Uncertain significance (1 of 4 stars; one submission).

Conditions:
Carney complex, type 1 (CNC1). Also called: CARNEY COMPLEX, TYPE I; CARNEY MYXOMA-ENDOCRINE COMPLEX. Identifiers: Orphanet 1359, MedGen C2607929, MONDO:0008057, OMIM 160980.

Allele frequency attached by ClinVar (database versions not stated): TOPMed below 0.00001.

Submission:

Labcorp Genetics (formerly Invitae), Labcorp
Classification: Uncertain significance for Carney complex, type 1. Last evaluated: 2022-12-02. Review status: criteria provided, single submitter. Criteria: Invitae Variant Classification Sherloc (09022015). Collection method: clinical testing. Allele origin: germline.
Comment: In summary, the available evidence is currently insufficient to determine the role of this variant in disease. Therefore, it has been classified as a Variant of Uncertain Significance. Advanced modeling of protein sequence and biophysical properties (such as structural, functional, and spatial information, amino acid conservation, physicochemical variation, residue mobility, and thermodynamic stability) performed at Invitae indicates that this missense variant is not expected to disrupt PRKAR1A protein function. ClinVar contains an entry for this variant (Variation ID: 570067). This variant has not been reported in the literature in individuals affected with PRKAR1A-related conditions. This variant is not present in population databases (gnomAD no frequency). This sequence change replaces glutamine, which is neutral and polar, with glutamic acid, which is acidic and polar, at codon 280 of the PRKAR1A protein (p.Gln280Glu).

NM_002734.5(PRKAR1A):c.838C>G (p.Gln280Glu)

Gene: PRKAR1A (protein kinase cAMP-dependent type I regulatory subunit alpha; plus strand). Cytogenetic location: 17q24.2.
Variant type: single nucleotide variant.
Coding change: c.838C>G on transcript NM_002734.5 (MANE Select); coding-DNA position 838, C replaced by G.
Protein change: p.Gln280Glu; replaces glutamine 280 with glutamic acid.
Molecular consequence: missense variant.
Genome position (GRCh38, 1-based): chr17:68,528,938, C>G. VCF-style: chr17-68528938-C-G. GRCh37 (hg19) VCF-style: chr17-66525079-C-G.
Other names: c.838C>G, p.Gln280Glu (NM_001276289.2, NM_001276290.1, NM_001278433.2 and 4 more transcripts); short protein forms Q280E.
Identifiers: ClinVar variation 570067 (VCV000570067.8), dbSNP rs1568701408, ClinGen allele CA400753934.